The following is an entry in ClinVar:

ClinVar aggregate classification (germline): Uncertain significance (1 of 4 stars; one submission).

Conditions:
Charcot-Marie-Tooth disease, type I (CMT1). Also called: Charcot-Marie-Tooth, Type 1; Charcot-Marie-Tooth disease type 1. Identifiers: Orphanet 65753, MedGen C0751036, MONDO:0019011.

Submission:

Labcorp Genetics (formerly Invitae), Labcorp
Classification: Uncertain significance for Charcot-Marie-Tooth disease, type I. Last evaluated: 2023-07-28. Review status: criteria provided, single submitter. Criteria: Invitae Variant Classification Sherloc (09022015). Collection method: clinical testing. Allele origin: germline.
Comment: This sequence change replaces valine, which is neutral and non-polar, with aspartic acid, which is acidic and polar, at codon 169 of the MPZ protein (p.Val169Asp). Information on the frequency of this variant in the gnomAD database is not available, as this variant may be reported differently in the database. This variant has not been reported in the literature in individuals affected with MPZ-related conditions. An algorithm developed to predict the effect of missense changes on protein structure and function (PolyPhen-2) suggests that this variant is likely to be disruptive. In summary, the available evidence is currently insufficient to determine the role of this variant in disease. Therefore, it has been classified as a Variant of Uncertain Significance.

NM_000530.8(MPZ):c.506_507delinsAC (p.Val169Asp)

Gene: MPZ (myelin protein zero; minus strand). Cytogenetic location: 1q23.3.
Variant type: Indel.
Coding change: c.506_507delinsAC on transcript NM_000530.8 (MANE Select); coding-DNA positions 506 to 507, TG replaced by AC.
Protein change: p.Val169Asp; replaces valine 169 with aspartic acid.
Molecular consequence: missense variant.
Genome position (GRCh38, 1-based): chr1:161,306,406-161,306,407, CA replaced by GT on the plus strand (TG replaced by AC on the coding strand, the reverse complement: MPZ is on the minus strand). VCF-style: chr1-161306406-CA-GT. GRCh37 (hg19) VCF-style: chr1-161276196-CA-GT.
Other names: c.506_507delinsAC, p.Val169Asp (NM_001315491.2); short protein forms V169D.
Identifiers: ClinVar variation 2900623 (VCV002900623.3), dbSNP rs2526236107, ClinGen allele CA2739275377.
Genomic context (GRCh38, chr1:161,306,406, plus strand): 5'-GGCCGCCTGCCTGCGTAGCCAGCAGTACCGAACCACGTAGAAAAGCAGCAGCAGCAACAG[CA>GT]CCACCCCGAGGACACCCCCGATCACAGCTCCCAGAACGACCCCGTACCTAGTTGGCACTA-3'
Protein context (NP_000521.2, residues 159-179): GAVIGGVLGV[Val169Asp]LLLLLLFYVV